The following is an entry in ClinVar:

NM_002496.4(NDUFS8):c.*14C>T

Gene: NDUFS8 (NADH:ubiquinone oxidoreductase core subunit S8; plus strand). Cytogenetic location: 11q13.2.
Variant type: single nucleotide variant.
Coding change: c.*14C>T on transcript NM_002496.4 (MANE Select); 14 bases downstream of the stop codon, C replaced by T.
Molecular consequence: 3 prime UTR variant.
Genome position (GRCh38, 1-based): chr11:68,036,607, C>T. VCF-style: chr11-68036607-C-T. GRCh37 (hg19) VCF-style: chr11-67804074-C-T.
Identifiers: ClinVar variation 305774 (VCV000305774.10), dbSNP rs1051806, ClinGen allele CA6146588.

ClinVar aggregate classification (germline): Benign/Likely benign. Review status: criteria provided, multiple submitters, no conflicts (2 of 4 stars). 4 submissions from 4 submitters: Benign (3); Likely benign (1). Last evaluated 2024-11-27.

Conditions:
Mitochondrial complex I deficiency, nuclear type 1. Also called: NADH-COENZYME Q REDUCTASE DEFICIENCY; MITOCHONDRIAL NADH DEHYDROGENASE COMPONENT OF COMPLEX I, DEFICIENCY OF. Identifiers: MedGen C6022305, MONDO:0100224, OMIM 252010.

Allele frequency attached by ClinVar (database versions not stated): ExAC 0.15446; 1000 Genomes Project 0.16993; gnomAD exomes 0.17094 and 0.14924; 1000 Genomes Project 30x 0.17349; gnomAD 0.18125 and 0.18509; ESP Exome Variant Server 0.19198; TOPMed 0.19207.
gnomAD v4.1: 277,064 of 1,612,862 alleles (17%); highest among the groups gnomAD compares: African/African-American, 24%; 25,115 homozygotes.

Submissions (4):

Blueprint Genetics
Classification: Benign. Last evaluated: 2024-11-27. Review status: criteria provided, single submitter. Criteria: ACMG Guidelines, 2015. Collection method: clinical testing. Allele origin: germline.

Illumina Laboratory Services, Illumina
Classification: Benign for Mitochondrial complex I deficiency, nuclear type 1. Last evaluated: 2018-01-12. Review status: criteria provided, single submitter. Criteria: ICSL Variant Classification Criteria 13 December 2019. Collection method: clinical testing. Allele origin: germline.
Comment: This variant was observed in the ICSL laboratory as part of a predisposition screen in an ostensibly healthy population. It had not been previously curated by ICSL or reported in the Human Gene Mutation Database (HGMD: prior to June 1st, 2018), and was therefore a candidate for classification through an automated scoring system. Utilizing variant allele frequency, disease prevalence and penetrance estimates, and inheritance mode, an automated score was calculated to assess if this variant is too frequent to cause the disease. Based on the score and internal cut-off values, a variant classified as benign is not then subjected to further curation. The score for this variant resulted in a classification of benign for this disease.

GeneDx
Classification: Benign. Last evaluated: 2015-03-03. Review status: criteria provided, single submitter. Criteria: GeneDx Variant Classification Process June 2021. Collection method: clinical testing. Allele origin: germline. Affected: yes.

Breakthrough Genomics
Classification: Likely benign. Review status: criteria provided, single submitter. Criteria: ACMG Guidelines, 2015. Collection method: not provided. Allele origin: germline. Inheritance: Autosomal recessive inheritance. Affected: yes.